The following is an entry in ClinVar:

ClinVar aggregate classification (germline): Uncertain significance (1 of 4 stars; one submission).

gnomAD v4.1: 52 of 1,613,496 alleles (0.0032%); highest among the groups gnomAD compares: Admixed American, 0.013%; no homozygotes.

Submission:

Dasa
Classification: Uncertain significance. Last evaluated: 2026-01-02. Review status: criteria provided, single submitter. Criteria: DASA Assertion Criteria. Collection method: clinical testing. Allele origin: germline.
Comment: NM_005121.3(MED13):c.1528A>G (p.Asn510Asp) is a missense variant that results in the substitution of asparagine with aspartic acid. This variant is rare in population databases. Computational prediction algorithms are consistent with a benign effect. The currently available literature and clinical evidence are not sufficient to establish a definitive association between this variant and the reported condition. Therefore, this variant is classified as a variant of uncertain significance.

NM_005121.3(MED13):c.1528A>G (p.Asn510Asp)

Gene: MED13 (mediator complex subunit 13; minus strand). Cytogenetic location: 17q23.2.
Variant type: single nucleotide variant.
Coding change: c.1528A>G on transcript NM_005121.3 (MANE Select); coding-DNA position 1528, A replaced by G.
Protein change: p.Asn510Asp; replaces asparagine 510 with aspartic acid.
Molecular consequence: missense variant.
Genome position (GRCh38, 1-based): chr17:62,010,989, T>C on the plus strand (A>G on the coding strand, the complement: MED13 is on the minus strand). VCF-style: chr17-62010989-T-C. GRCh37 (hg19) VCF-style: chr17-60088350-T-C.
Other names: short protein forms N510D.
Identifiers: ClinVar variation 4883478 (VCV004883478.2).
Genomic context (GRCh38, chr17:62,010,989, plus strand): 5'-AATTTGCCATTTCGGTGCCATGCATCTGAGGAGTCTTTGCTACATCATTAGTTCGGATAT[T>C]TGAAAATCTCACTTGACTGTCTGGAGCAGAGATCACAAGTCTTTGGCTGGCTGAATCTGC-3'
Protein context (NP_005112.2, residues 500-520): SAPDSQVRFS[Asn510Asp]IRTNDVAKTP